The following is an entry in ClinVar:

ClinVar aggregate classification (germline): Uncertain significance (1 of 4 stars; one submission).

Conditions:
Autosomal dominant Robinow syndrome 1. Also called: ACRAL DYSOSTOSIS WITH FACIAL AND GENITAL ABNORMALITIES; ROBINOW DWARFISM; FETAL FACE SYNDROME; Covesdem syndrome (formerly); Costovertebral segmentation defect with mesomelia (formerly); WNT5A-Related Robinow Syndrome, Autosomal Dominant. Identifiers: Orphanet 3107, Orphanet 97360, MedGen C4551475, MONDO:0024455, OMIM 180700.

Submission:

Juno Genomics, Hangzhou Juno Genomics, Inc
Classification: Uncertain significance for Autosomal dominant Robinow syndrome 1. Review status: criteria provided, single submitter. Criteria: ACMG Guidelines, 2015. Collection method: clinical testing. Allele origin: germline.
Comment: Absent from controls (or at extremely low frequency if recessive) in Genome Aggregation Database.;Multiple lines of computational evidence support a deleterious effect on the gene or gene product.

NM_003392.7(WNT5A):c.902A>G (p.Tyr301Cys)

Gene: WNT5A (Wnt family member 5A; minus strand). Cytogenetic location: 3p14.3.
Variant type: single nucleotide variant.
Coding change: c.902A>G on transcript NM_003392.7 (MANE Select); coding-DNA position 902, A replaced by G.
Protein change: p.Tyr301Cys; replaces tyrosine 301 with cysteine.
Molecular consequence: missense variant.
Genome position (GRCh38, 1-based): chr3:55,470,333, T>C on the plus strand (A>G on the coding strand, the complement: WNT5A is on the minus strand). VCF-style: chr3-55470333-T-C. GRCh37 (hg19) VCF-style: chr3-55504361-T-C.
Other names: c.857A>G, p.Tyr286Cys (NM_001256105.1, NM_001377271.1, NM_001377272.1); short protein forms Y286C, Y301C.
Identifiers: ClinVar variation 5006667 (VCV005006667.2).
Genomic context (GRCh38, chr3:55,470,333, plus strand): 5'-TGCGTGCCCAGCGAGCCGGTGCTCTCATTGCGCACGCAGTAGTCAGGGCTGGGGTCGATG[T>C]AGACCAGGTCTTGTGTGGTGGGCGAGTTGAAGCGGCTGTTGACCTGTACCAACTTGCCCC-3'
Protein context (NP_003383.4, residues 291-311): FNSPTTQDLV[Tyr301Cys]IDPSPDYCVR